The following is an entry in ClinVar:

ClinVar aggregate classification (germline): Benign/Likely benign. Review status: criteria provided, multiple submitters, no conflicts (2 of 4 stars). 5 submissions from 5 submitters: Benign (1); Likely benign (4). Last evaluated 2026-01-18.

Conditions:
Aortic aneurysm, familial thoracic 8 (AAT8). Identifiers: MedGen C3809513, MONDO:0014187, OMIM 615436.
Familial thoracic aortic aneurysm and aortic dissection (TAAD). Also called: Thoracic aortic aneurysms and dissections. Identifiers: Orphanet 91387, MedGen C4707243, MONDO:0019625.

Allele frequency attached by ClinVar (database versions not stated): gnomAD 0.00004; ExAC 0.00005; TOPMed 0.00005; ESP Exome Variant Server 0.00008; gnomAD exomes 0.00008.
gnomAD v4.1: 94 of 1,613,916 alleles (0.0058%); highest among the groups gnomAD compares: Non-Finnish European, 0.0076%; no homozygotes.

Submissions (5):

Labcorp Genetics (formerly Invitae), Labcorp
Classification: Likely benign for Aortic aneurysm, familial thoracic 8. Last evaluated: 2026-01-18. Review status: criteria provided, single submitter. Criteria: Invitae Variant Classification Sherloc (09022015). Collection method: clinical testing. Allele origin: germline.

Molecular Diagnostic Laboratory for Inherited Cardiovascular Disease, Montreal Heart Institute
Classification: Likely benign. Last evaluated: 2025-04-09. Review status: criteria provided, single submitter. Criteria: ACMG Guidelines, 2015. Collection method: clinical testing. Allele origin: germline. Affected: no.
Comment: BP7

Women's Health and Genetics/Laboratory Corporation of America, LabCorp
Classification: Benign. Last evaluated: 2024-06-04. Review status: criteria provided, single submitter. Criteria: LabCorp Variant Classification Summary - May 2015. Collection method: clinical testing. Allele origin: germline.

GeneDx
Classification: Likely benign. Last evaluated: 2021-01-12. Review status: criteria provided, single submitter. Criteria: GeneDx Variant Classification Process June 2021. Collection method: clinical testing. Allele origin: germline. Affected: yes.

Ambry Genetics
Classification: Likely benign for Familial thoracic aortic aneurysm and aortic dissection. Last evaluated: 2016-09-02. Review status: criteria provided, single submitter. Criteria: Ambry Variant Classification Scheme 2023. Collection method: clinical testing. Allele origin: germline.

NM_006258.4(PRKG1):c.123G>A (p.Lys41=)

Gene: PRKG1 (protein kinase cGMP-dependent 1; plus strand). Cytogenetic location: 10q11.23.
Variant type: single nucleotide variant.
Coding change: c.123G>A on transcript NM_006258.4 (MANE Select); coding-DNA position 123, G replaced by A.
Protein change: p.Lys41=; no amino-acid change (lysine 41 retained).
Molecular consequence: synonymous variant. On other transcripts: intron variant (1).
Genome position (GRCh38, 1-based): chr10:51,074,713, G>A. VCF-style: chr10-51074713-G-A. GRCh37 (hg19) VCF-style: chr10-52834473-G-A.
Other names: c.267-78451G>A (LRG_1135t2, NM_001098512.3); c.123G>A, p.Lys41= (LRG_1135t1).
Identifiers: ClinVar variation 508033 (VCV000508033.18), dbSNP rs146681875, ClinGen allele CA5503067.